The following is an entry in ClinVar:

ClinVar aggregate classification (germline): Uncertain significance (1 of 4 stars; one submission).

gnomAD v4.1: 1 of 1,609,364 alleles (0.000062%); highest among the groups gnomAD compares: South Asian, 0.0011%; no homozygotes.

Submission:

Labcorp Genetics (formerly Invitae), Labcorp
Classification: Uncertain significance. Last evaluated: 2025-08-10. Review status: criteria provided, single submitter. Criteria: Invitae Variant Classification Sherloc (09022015). Collection method: clinical testing. Allele origin: germline.
Comment: This sequence change replaces cysteine, which is neutral and slightly polar, with tyrosine, which is neutral and polar, at codon 1369 of the ANK3 protein (p.Cys1369Tyr). This variant is not present in population databases (gnomAD no frequency). This variant has not been reported in the literature in individuals affected with ANK3-related conditions. Invitae Evidence Modeling of protein sequence and biophysical properties (such as structural, functional, and spatial information, amino acid conservation, physicochemical variation, residue mobility, and thermodynamic stability) indicates that this missense variant is expected to disrupt ANK3 protein function with a positive predictive value of 80%. In summary, the available evidence is currently insufficient to determine the role of this variant in disease. Therefore, it has been classified as a Variant of Uncertain Significance.

NM_020987.5(ANK3):c.4106G>A (p.Cys1369Tyr)

Gene: ANK3 (ankyrin 3; minus strand). Cytogenetic location: 10q21.2.
Variant type: single nucleotide variant.
Coding change: c.4106G>A on transcript NM_020987.5 (MANE Select); coding-DNA position 4106, G replaced by A.
Protein change: p.Cys1369Tyr; replaces cysteine 1369 with tyrosine.
Molecular consequence: missense variant.
Genome position (GRCh38, 1-based): chr10:60,083,586, C>T on the plus strand (G>A on the coding strand, the complement: ANK3 is on the minus strand). VCF-style: chr10-60083586-C-T. GRCh37 (hg19) VCF-style: chr10-61843344-C-T.
Other names: c.1508G>A, p.Cys503Tyr (NM_001149.4); c.4088G>A, p.Cys1363Tyr (NM_001204403.2); c.4109G>A, p.Cys1370Tyr (NM_001204404.2); c.4106G>A, p.Cys1369Tyr (NM_001320874.2); short protein forms C1363Y, C1369Y, C503Y, C1370Y.
Identifiers: ClinVar variation 4742738 (VCV004742738.1).